The following is an entry in ClinVar:

ClinVar aggregate classification (germline): Uncertain significance (1 of 4 stars; one submission).

gnomAD v4.1: 20 of 1,613,982 alleles (0.0012%); highest among the groups gnomAD compares: Non-Finnish European, 0.0015%; no homozygotes.

Submission:

GeneDx
Classification: Uncertain significance. Last evaluated: 2024-12-16. Review status: criteria provided, single submitter. Criteria: GeneDx Variant Classification Process June 2021. Collection method: clinical testing. Allele origin: germline. Affected: yes.
Comment: In silico analysis supports that this missense variant has a deleterious effect on protein structure/function; Has not been previously published as pathogenic or benign to our knowledge

NM_001371623.1(TCOF1):c.3569A>C (p.Glu1190Ala)

Gene: TCOF1 (treacle ribosome biogenesis factor 1; plus strand). Cytogenetic location: 5q32.
Variant type: single nucleotide variant.
Coding change: c.3569A>C on transcript NM_001371623.1 (MANE Select); coding-DNA position 3569, A replaced by C.
Protein change: p.Glu1190Ala; replaces glutamic acid 1190 with alanine.
Molecular consequence: missense variant.
Genome position (GRCh38, 1-based): chr5:150,392,756, A>C. VCF-style: chr5-150392756-A-C. GRCh37 (hg19) VCF-style: chr5-149772319-A-C.
Other names: c.3335A>C, p.Glu1112Ala (NM_000356.4); c.3566A>C, p.Glu1189Ala (NM_001135243.2); c.3455A>C, p.Glu1152Ala (NM_001135244.2); c.3338A>C, p.Glu1113Ala (NM_001135245.2); c.3452A>C, p.Glu1151Ala (NM_001195141.2); short protein forms E1112A, E1113A, E1151A, E1152A, E1189A, E1190A.
Identifiers: ClinVar variation 3902989 (VCV003902989.1).